The following is an entry in ClinVar:

NM_018136.5(ASPM):c.2419+62T>G

Gene: ASPM (assembly factor for spindle microtubules; minus strand). Cytogenetic location: 1q31.3.
Variant type: single nucleotide variant.
Coding change: c.2419+62T>G on transcript NM_018136.5 (MANE Select); 62 bases into the intron after coding-DNA position 2419, T replaced by G.
Molecular consequence: intron variant.
Genome position (GRCh38, 1-based): chr1:197,133,288, A>C on the plus strand (T>G on the coding strand, the complement: ASPM is on the minus strand). VCF-style: chr1-197133288-A-C. GRCh37 (hg19) VCF-style: chr1-197102418-A-C.
Other names: c.2419+62T>G (NM_001206846.2).
Identifiers: ClinVar variation 4881777 (VCV004881777.2).

ClinVar aggregate classification (germline): Uncertain significance (1 of 4 stars; one submission).

Submission:

Dasa
Classification: Uncertain significance. Last evaluated: 2025-11-27. Review status: criteria provided, single submitter. Criteria: DASA Assertion Criteria. Collection method: clinical testing. Allele origin: germline.
Comment: NM_018136.5(ASPM):c.2419+62T>G is an intronic variant. This variant is absent from population databases. The currently available literature and clinical evidence are not sufficient to establish a definitive association between this variant and the reported condition. Therefore, this variant is classified as a variant of uncertain significance.